The following is an entry in ClinVar:

NM_173660.5(DOK7):c.525T>G (p.Cys175Trp)

Gene: DOK7 (docking protein 7; plus strand). Cytogenetic location: 4p16.3.
Variant type: single nucleotide variant.
Coding change: c.525T>G on transcript NM_173660.5 (MANE Select); coding-DNA position 525, T replaced by G.
Protein change: p.Cys175Trp; replaces cysteine 175 with tryptophan.
Molecular consequence: missense variant. On other transcripts: intron variant (2).
Genome position (GRCh38, 1-based): chr4:3,476,535, T>G. VCF-style: chr4-3476535-T-G. GRCh37 (hg19) VCF-style: chr4-3478262-T-G.
Other names: c.525T>G, p.Cys175Trp (NM_001301071.2); c.101-9004T>G (NM_001363811.2); c.521+4T>G (NM_001164673.2); short protein forms C175W.
Identifiers: ClinVar variation 2130730 (VCV002130730.4), dbSNP rs2475009461, ClinGen allele CA356114511.

ClinVar aggregate classification (germline): Uncertain significance (1 of 4 stars; one submission).

Conditions:
Congenital myasthenic syndrome 10. Also called: Myasthenia, limb-girdle, familial. Identifiers: Orphanet 590, MedGen C1850792, MONDO:0009690, OMIM 254300.
Fetal akinesia deformation sequence 1 (FADS1). Also called: Fetal akinesia sequence; Pena-Shokeir syndrome type I. Identifiers: Orphanet 994, MedGen C1276035, MONDO:0100101, OMIM 208150, HP:0001989.

Submission:

Labcorp Genetics (formerly Invitae), Labcorp
Classification: Uncertain significance for Congenital myasthenic syndrome 10; Fetal akinesia deformation sequence 1. Last evaluated: 2022-09-28. Review status: criteria provided, single submitter. Criteria: Invitae Variant Classification Sherloc (09022015). Collection method: clinical testing. Allele origin: germline.
Comment: This sequence change replaces cysteine, which is neutral and slightly polar, with tryptophan, which is neutral and slightly polar, at codon 175 of the DOK7 protein (p.Cys175Trp). This variant is not present in population databases (gnomAD no frequency). This variant has not been reported in the literature in individuals affected with DOK7-related conditions. Algorithms developed to predict the effect of missense changes on protein structure and function are either unavailable or do not agree on the potential impact of this missense change (SIFT: "Deleterious"; PolyPhen-2: "Probably Damaging"; Align-GVGD: "Class C15"). Algorithms developed to predict the effect of sequence changes on RNA splicing suggest that this variant may disrupt the consensus splice site. In summary, the available evidence is currently insufficient to determine the role of this variant in disease. Therefore, it has been classified as a Variant of Uncertain Significance.